The following is an entry in ClinVar:

NM_001374828.1(ARID1B):c.6599C>A (p.Ser2200Ter)

Gene: ARID1B (AT-rich interaction domain 1B; plus strand). Cytogenetic location: 6q25.3.
Variant type: single nucleotide variant.
Coding change: c.6599C>A on transcript NM_001374828.1 (MANE Select); coding-DNA position 6599, C replaced by A.
Protein change: p.Ser2200Ter; replaces serine 2200 with a stop codon.
Molecular consequence: nonsense.
Genome position (GRCh38, 1-based): chr6:157,207,371, C>A. VCF-style: chr6-157207371-C-A. GRCh37 (hg19) VCF-style: chr6-157528505-C-A.
Other names: c.6230C>A (NM_020732.3); c.4100C>A, p.Ser1367Ter (NM_001363725.2); c.6479C>A, p.Ser2160Ter (NM_001371656.1, NM_001374820.1); c.6440C>A, p.Ser2147Ter (NM_017519.3); short protein forms S1367*, S2147*, S2160*, S2200*.
Identifiers: ClinVar variation 985586 (VCV000985586.4), dbSNP rs1554237979, ClinGen allele CA366248635.

ClinVar aggregate classification (germline): Likely pathogenic (1 of 4 stars; one submission).

Conditions:
Inborn genetic diseases. Identifiers: MedGen C0950123, MeSH D030342.

Submission:

Ambry Genetics
Classification: Likely pathogenic for Inborn genetic diseases. Last evaluated: 2020-02-06. Review status: criteria provided, single submitter. Criteria: Ambry Variant Classification Scheme 2023. Collection method: clinical testing. Allele origin: germline.
Comment: The alteration results in a premature stop codon: _x000D_ _x000D_ The c.6230C>A (p.S2077*) alteration, located in coding exon 20 of the ARID1B gene, consists of a C to A substitution at nucleotide position 6230. This changes the amino acid from a serine (S) to a stop codon at amino acid position 2077. Premature stop codons are typically deleterious in nature; however, this stop codon occurs at the 3' terminus of ARID1B, is not expected to trigger nonsense-mediated mRNA decay, and a truncated protein could still be expressed (Maquat, 2004). This alteration removes the last 43 amino acids of the protein. The exact functional impact of the truncation unknown at this time; however, additional truncating alterations downstream of this alteration have been reported in the literature as disease-causing. The alteration is not observed in population databases: _x000D_ _x000D_ Based on data from the Genome Aggregation Database (gnomAD), the ARID1B c.6230C>A alteration was not observed, with coverage at this position. Based on the available evidence, this alteration is classified as likely pathogenic.